The following is an entry in ClinVar:

ClinVar aggregate classification (germline): Uncertain significance (1 of 4 stars; one submission).

Allele frequency attached by ClinVar (database versions not stated): gnomAD exomes 0.00001.
gnomAD v4.1: 5 of 1,611,224 alleles (0.00031%); highest among the groups gnomAD compares: Non-Finnish European, 0.00042%; no homozygotes.

Submission:

Greenwood Genetic Center Diagnostic Laboratories, Greenwood Genetic Center
Classification: Uncertain significance. Last evaluated: 2023-08-23. Review status: criteria provided, single submitter. Criteria: ACMG Guidelines, 2015. Collection method: clinical testing. Allele origin: germline. Affected: yes.
Comment: Gene of Uncertain Significance

NM_001363644.2(TBCEL):c.74G>A (p.Arg25His)

Genes: TBCEL (tubulin folding cofactor E like; plus strand), TBCEL-TECTA (TBCEL-TECTA readthrough; plus strand). Cytogenetic location: 11q23.3.
Variant type: single nucleotide variant.
Coding change: c.74G>A on transcript NM_001363644.2 (MANE Select); coding-DNA position 74, G replaced by A.
Protein change: p.Arg25His; replaces arginine 25 with histidine.
Molecular consequence: missense variant.
Genome position (GRCh38, 1-based): chr11:121,045,764, G>A. VCF-style: chr11-121045764-G-A. GRCh37 (hg19) VCF-style: chr11-120916473-G-A.
Other names: c.74G>A, p.Arg25His (NM_001378761.1, NM_001130047.3, NM_152715.5); short protein forms R25H.
Identifiers: ClinVar variation 2626898 (VCV002626898.1), dbSNP rs138695287, ClinGen allele CA383006362.
Genomic context (GRCh38, chr11:121,045,764, plus strand): 5'-GTGGAAGAAGTTTCATGCAAGTATTATGTGAAAAATATAGTCCTGAAAATTTTCCTTATC[G>A]CCGTGGCCCGGGGATGGGAGTCCATGTCCCAGCCACACCTCAGGGCTCTCCTATGAAAGG-3'
Protein context (NP_001350573.1, residues 15-35): EKYSPENFPY[Arg25His]RGPGMGVHVP